The following is an entry in ClinVar:

NM_001130987.2(DYSF):c.2697+1G>A

Gene: DYSF (dysferlin; plus strand). Cytogenetic location: 2p13.2.
Variant type: single nucleotide variant.
Coding change: c.2697+1G>A on transcript NM_001130987.2 (MANE Select); the canonical splice donor site of the intron after coding-DNA position 2697, G replaced by A.
Molecular consequence: splice donor variant.
Genome position (GRCh38, 1-based): chr2:71,568,083, G>A. VCF-style: chr2-71568083-G-A. GRCh37 (hg19) VCF-style: chr2-71795213-G-A.
Other names: c.2736+1G>A (NM_001130979.2); c.2694+1G>A (NM_001130981.2, NM_001130980.2); c.2643+1G>A (NM_001130978.2, NM_003494.4); c.2601+1G>A (NM_001130977.2, NM_001130976.2); c.2739+1G>A (NM_001130982.2); c.2697+1G>A (NM_001130985.2); c.2646+1G>A (NM_001130983.2, NM_001130455.2); c.2604+1G>A (NM_001130984.2, NM_001130986.2).
Identifiers: ClinVar variation 94291 (VCV000094291.51), dbSNP rs140108514, ClinGen allele CA222141.
Genomic context (GRCh38, chr2:71,568,083, plus strand): 5'-GTGGATGAGAAGGAGTTCAACCAGTTTGCTGAGGGGAAGCTGTCTGTCTTTGCTGAAACC[G>A]TGAGTACCTGCCAGCCCCCACCTCTGCCTCCCACTACCTGGAGCTGCCTTGGCCCCCTGC-3'

ClinVar aggregate classification (germline): Pathogenic. Review status: reviewed by expert panel (3 of 4 stars). 19 submissions from 19 submitters: Pathogenic (1). 18 of the submissions do not count toward it. Last evaluated 2025-01-08.

Conditions:
DYSF-related disorder. Also called: DYSF-related disorders; DYSF-related condition.
Miyoshi muscular dystrophy 1 (MMD1). Identifiers: Orphanet 45448, MedGen C4551973, MONDO:0024545, OMIM 254130.
Autosomal recessive limb-girdle muscular dystrophy type 2B (LGMDR2). Also called: MUSCULAR DYSTROPHY, LIMB-GIRDLE, TYPE 3; Limb-Girdle Muscular Dystrophy Type 2B (LGMD2B); MUSCULAR DYSTROPHY, LIMB-GIRDLE, AUTOSOMAL RECESSIVE 2; Limb-girdle muscular dystrophy, type 2B. Identifiers: Orphanet 268, MedGen C1850889, MONDO:0009676, OMIM 253601.
Distal myopathy with anterior tibial onset. Identifiers: Orphanet 178400, MedGen C1847532, MONDO:0011721, OMIM 606768.
Autosomal recessive limb-girdle muscular dystrophy. Identifiers: Orphanet 102015, MedGen C2931907, MONDO:0015152.
Neuromuscular disease caused by qualitative or quantitative defects of dysferlin. Also called: Qualitative or quantitative defects of dysferlin; Dysferlinopathy. Identifiers: Orphanet 207073, MedGen C2931687, MONDO:0016145.

Allele frequency attached by ClinVar (database versions not stated): gnomAD exomes 0.00012 and 0.00004; ESP Exome Variant Server 0.00062; gnomAD 0.00042 and 0.00046; ExAC 0.00018; TOPMed 0.00043.
gnomAD v4.1: 121 of 1,614,068 alleles (0.0075%); highest among the groups gnomAD compares: African/African-American, 0.13%; no homozygotes.

Submissions 1 to 8 of 21:

ClinGen Limb Girdle Muscular Dystrophy Variant Curation Expert Panel, ClinGen
Classification: Pathogenic for Autosomal recessive limb-girdle muscular dystrophy. Last evaluated: 2025-01-08. Review status: reviewed by expert panel. Criteria: ClinGen LGMD VCEP ACMG Specifications DYSF V1.0.0. Collection method: curation. Allele origin: germline. Inheritance: Autosomal recessive inheritance.
Comment: The NM_003494.4: c.2643+1G>A variant in DYSF, which is also known as NM_001130987.2: c.2697+1G>A, occurs within the canonical splice donor site of intron 25. It is predicted to cause skipping of biologically relevant exon 25/55, resulting in an in-frame deletion of 44 amino acids. Skipping of exon 25 was confirmed by minigene assay and RNAseq (PMID 25312915, 36983702; PVS1_Moderate_RNA). This variant has been detected in at least eight unrelated individuals with LGMD (PMID: 30564623, 36983702, 33927379, 23243261, 22246893, 18853459). Of these individuals, four were homozygous (1.0 pt), and four were compound heterozygous; in at least two cases, the variant was confirmed in trans with a pathogenic or likely pathogenic variant (c.1948delC p.(Leu650TyrfsTer6), 1.0 pt; c.4497delT p.(Phe1499LeufsTer4), 1.0 pt) (PM3_Strong). At least one of these patients displayed a progressive limb girdle pattern of muscle weakness and absent dysferlin expression in skeletal muscle and/or blood monocytes, which is highly specific for DYSF-related LGMD (PP4_Strong; PMID: 36983702, 33927379). The filtering allele frequency for this variant is 0.001335 in gnomAD v2.1.1 African/African American genomes (the lower threshold of the 95% CI of 18/8708), which is higher than the LGMD VCEP threshold of 0.001 for BS1; however, this variant is a frequently observed variant among patients, and the VCEP opted not to apply this code (BS1 exception). Another nucleotide change affecting the same splice site and with the same predicted splice effect, NM_003494.4: c.2643+1G>C, is classified as pathogenic for autosomal recessive limb girdle muscular dystrophy by the ClinGen LGMD VCEP (PS1). In summary, this variant meets the threshold for the criteria to be classified as Pathogenic for autosomal recessive limb girdle muscular dystrophy by the ClinGen LGMD VCEP. Although the population frequency of this variant provides benign evidence, the VCEP considers this not inconsistent with the final classification given the frequency at which it is observed in the patient population. ACMG/AMP criteria applied, as specified by the ClinGen LGMD VCEP (LGMD VCEP specifications version 1.0.0; 01/08/2025): PVS1_Moderate_RNA, PS1, PM3_Strong, PP4_Strong.

Dasa
Classification: Pathogenic. Last evaluated: 2026-04-27. Review status: criteria provided, single submitter. Criteria: DASA Assertion Criteria. Collection method: clinical testing. Allele origin: germline. Not counted in ClinVar's aggregate classification.
Comment: NM_001130987.2(DYSF):c.2697+1G>A introduces a premature termination codon predicted to result in loss of normal protein function. Loss-of-function is an established mechanism of disease for this gene. This variant results in the same amino acid change as a previously established pathogenic variant. This variant has been observed in affected individuals with related phenotype in a genotype context consistent with recessive disease (PMID: 25312915; PMID: 36983702; PMID: 30564623; PMID: 33927379; PMID: 23243261). Functional evidence supports a deleterious effect on the gene or gene product (PMID: 25312915; PMID: 36983702; PMID: 30564623; PMID: 33927379; PMID: 23243261). This variant has been recurrently observed in individuals with related phenotype (PMID: 25312915; PMID: 36983702; PMID: 30564623; PMID: 33927379; PMID: 23243261). The variant is present at low frequency in population datasets. Based on the available data, this variant is classified as pathogenic.

Labcorp Genetics (formerly Invitae), Labcorp
Classification: Pathogenic for Neuromuscular disease caused by qualitative or quantitative defects of dysferlin. Last evaluated: 2026-01-19. Review status: criteria provided, single submitter. Criteria: Invitae Variant Classification Sherloc (09022015). Collection method: clinical testing. Allele origin: germline. Not counted in ClinVar's aggregate classification.
Comment: This sequence change affects a donor splice site in intron 25 of the DYSF gene. RNA analysis indicates that disruption of this splice site induces altered splicing and likely results in a shortened protein product. This variant is present in population databases (rs140108514, gnomAD 0.2%). Disruption of this splice site has been observed in individuals with autosomal recessive limb-girdle muscular dystrophy and Miyoshi myopathy (PMID: 12796534, 18853459, 21816046, 22246893, 23243261, 27854218). This variant is also known as G3016+1A and c.3016+1G>A. ClinVar contains an entry for this variant (Variation ID: 94291). Studies have shown that disruption of this splice site results in skipping of exon 25, but is expected to preserve the integrity of the reading-frame (PMID: 25312915). For these reasons, this variant has been classified as Pathogenic.

PreventionGenetics, part of Exact Sciences
Classification: Pathogenic for DYSF-related condition. Last evaluated: 2026-01-08. Review status: criteria provided, single submitter. Criteria: ACMG Guidelines, 2015. Collection method: clinical testing. Allele origin: germline. Not counted in ClinVar's aggregate classification.
Comment: The DYSF c.2643+1G>A variant is predicted to disrupt the GT donor site and interfere with normal splicing. This variant has been reported in the homozygous or compound heterozygous state in patients diagnosed with limb-girdle muscular dystrophy type 2B (LGMD2B) or Miyoshi myopathy (Krahn et al. 2009. PubMed ID: 18853459; Takahashi et al. 2013. PubMed ID: 23243261). In a mini-gene assay, the c.2643+1G>A variant led to exon skipping (Kergourlay et al. 2014. PubMed ID: 25312915). This variant has been reported at an allele frequency of ~0.2% in an African population; however, in other ethnicities it is absent or reported at lower frequency. Variants that disrupt the consensus splice donor site in DYSF are expected to be pathogenic. This variant is interpreted as pathogenic.

Natera, Inc.
Classification: Pathogenic for Limb-girdle muscular dystrophy type 2B. Last evaluated: 2025-08-08. Review status: criteria provided, single submitter. Criteria: Natera Variant Classification Schema (03/2026). Collection method: clinical testing. Allele origin: germline. Not counted in ClinVar's aggregate classification.
Comment: The c.2643+1G>A variant in DYSF is a canonical splice donor site variant predicted to affect pre-mRNA splicing, which may result in an abnormal transcript and altered protein product. This variant may result in a truncated or dysfunctional protein product. The frequency of this variant in the general population is greater than expected for disorder. This variant has been observed in one or more individuals affected with the associated recessive disease, as either homozygous or compound heterozygous with a second variant (PMID: 23243261, 27854218). Given the available evidence, this variant is classified as Pathogenic.

Revvity Omics, Revvity
Classification: Pathogenic. Last evaluated: 2025-06-23. Review status: criteria provided, single submitter. Criteria: ACMG Guidelines, 2015. Collection method: clinical testing. Allele origin: germline. Not counted in ClinVar's aggregate classification.

Variantyx, Inc.
Classification: Pathogenic for Autosomal recessive limb-girdle muscular dystrophy type 2B. Last evaluated: 2025-05-23. Review status: criteria provided, single submitter. Criteria: Variantyx Assertion Criteria 2022. Collection method: clinical testing. Allele origin: germline. Inheritance: Autosomal recessive inheritance. Affected: no. Not counted in ClinVar's aggregate classification.
Comment: This is a canonical splicing variant in the DYSF gene (OMIM: 603009). Pathogenic variants in this gene have been associated with autosomal recessive limb-girdle muscular dystrophy 2. This variant has been identified in the homozygous or compound heterozygous state in at least 8 individuals reported in the published literature (PMID: 30564623, 36983702, 33927379, 23243261, 22246893, 18853459), (PM3_Strong). This variant has a 0.1348% maximum allele frequency in non-founder control populations. Based on the current evidence, this variant is classified as pathogenic for autosomal recessive limb-girdle muscular dystrophy 2.

Blueprint Genetics
Classification: Pathogenic for DYSF-related disorders. Last evaluated: 2024-09-13. Review status: criteria provided, single submitter. Criteria: ACMG Guidelines, 2015. Collection method: clinical testing. Allele origin: germline. Affected: yes. Observed: 4 variant alleles. Not counted in ClinVar's aggregate classification.